The following is an entry in ClinVar:

ClinVar aggregate classification (germline): Uncertain significance (1 of 4 stars; one submission).

Conditions:
Cardiovascular phenotype. Identifiers: MedGen CN230736.

Submission:

Ambry Genetics
Classification: Uncertain significance for Cardiovascular phenotype. Last evaluated: 2026-08-27. Review status: criteria provided, single submitter. Criteria: Ambry Variant Classification Scheme 2023. Collection method: clinical testing. Allele origin: germline.
Comment: The p.S639C variant (also known as c.1915A>T), located in coding exon 11 of the CBL gene, results from an A to T substitution at nucleotide position 1915. The serine at codon 639 is replaced by cysteine, an amino acid with dissimilar properties. This amino acid position is conserved. In addition, the in silico prediction for this alteration is inconclusive. Based on the available evidence, the clinical significance of this variant remains unclear.

NM_005188.4(CBL):c.1915A>T (p.Ser639Cys)

Gene: CBL (Cbl proto-oncogene; plus strand). Cytogenetic location: 11q23.3.
Variant type: single nucleotide variant.
Coding change: c.1915A>T on transcript NM_005188.4 (MANE Select); coding-DNA position 1915, A replaced by T.
Protein change: p.Ser639Cys; replaces serine 639 with cysteine.
Molecular consequence: missense variant.
Genome position (GRCh38, 1-based): chr11:119,285,540, A>T. VCF-style: chr11-119285540-A-T. GRCh37 (hg19) VCF-style: chr11-119156250-A-T.
Other names: short protein forms S639C.
Identifiers: ClinVar variation 5033770 (VCV005033770.1).